The following is an entry in ClinVar:

NM_138691.3(TMC1):c.2261-1G>A

Gene: TMC1 (transmembrane channel like 1; plus strand). Cytogenetic location: 9q21.13.
Variant type: single nucleotide variant.
Coding change: c.2261-1G>A on transcript NM_138691.3 (MANE Select); the canonical splice acceptor site of the intron before coding-DNA position 2261, G replaced by A.
Molecular consequence: splice acceptor variant.
Genome position (GRCh38, 1-based): chr9:72,835,950, G>A. VCF-style: chr9-72835950-G-A. GRCh37 (hg19) VCF-style: chr9-75450866-G-A.
Identifiers: ClinVar variation 2071707 (VCV002071707.2), dbSNP rs760312846, ClinGen allele CA5082273.

ClinVar aggregate classification (germline): Uncertain significance (1 of 4 stars; one submission).

Allele frequency attached by ClinVar (database versions not stated): ExAC 0.00001.

Submission:

Labcorp Genetics (formerly Invitae), Labcorp
Classification: Uncertain significance. Last evaluated: 2025-05-27. Review status: criteria provided, single submitter. Criteria: Invitae Variant Classification Sherloc (09022015). Collection method: clinical testing. Allele origin: germline.
Comment: This sequence change affects an acceptor splice site in intron 23 of the TMC1 gene. While this variant is not anticipated to result in nonsense mediated decay, it likely alters RNA splicing and results in a disrupted protein product. This variant is present in population databases (rs760312846, gnomAD 0.01%). This variant has not been reported in the literature in individuals affected with TMC1-related conditions. ClinVar contains an entry for this variant (Variation ID: 2071707). Variants that disrupt the consensus splice site are a relatively common cause of aberrant splicing (PMID: 17576681, 9536098). Algorithms developed to predict the effect of sequence changes on RNA splicing suggest that this variant may disrupt the consensus splice site. In summary, the available evidence is currently insufficient to determine the role of this variant in disease. Therefore, it has been classified as a Variant of Uncertain Significance.

Literature cited by the submitters: PubMed 17576681; PubMed 9536098.